The following is an entry in ClinVar:

NM_000434.4(NEU1):c.544A>G (p.Ser182Gly)

Gene: NEU1 (neuraminidase 1; minus strand). Cytogenetic location: 6p21.33.
Variant type: single nucleotide variant.
Coding change: c.544A>G on transcript NM_000434.4 (MANE Select); coding-DNA position 544, A replaced by G.
Protein change: p.Ser182Gly; replaces serine 182 with glycine.
Molecular consequence: missense variant.
Genome position (GRCh38, 1-based): chr6:31,861,259, T>C on the plus strand (A>G on the coding strand, the complement: NEU1 is on the minus strand). VCF-style: chr6-31861259-T-C. GRCh37 (hg19) VCF-style: chr6-31829036-T-C.
Other names: short protein forms S182G.
Identifiers: ClinVar variation 430337 (VCV000430337.12), dbSNP rs398123392, ClinGen allele CA3725021.
Genomic context (GRCh38, chr6:31,861,259, plus strand): 5'-AGCCCGGTCCAGGGGCAAACACTTCAGTGCCAATATCCAGGGAGAGATTCCGGGGTGTGC[T>C]CCAGGAAACACCATCATCCTTGCTCCATACCAACATGGTAGAGGCCACCTGGCAGCCGGC-3'
Protein context (NP_000425.1, residues 172-192): VWSKDDGVSW[Ser182Gly]TPRNLSLDIG

ClinVar aggregate classification (germline): Pathogenic/Likely pathogenic. Review status: criteria provided, multiple submitters, no conflicts (2 of 4 stars). 5 submissions from 5 submitters: Pathogenic (4); Likely pathogenic (1). Last evaluated 2025-05-22.

Conditions:
Sialidosis type 2. Also called: NEU DEFICIENCY; NEUG DEFICIENCY; NEURAMINIDASE 1 DEFICIENCY; SIALIDASE DEFICIENCY; SIALIDOSIS, TYPE II; NEURAMINIDASE DEFICIENCY. Identifiers: Orphanet 812, Orphanet 87876, MedGen C4282398, MONDO:0009738, OMIM 256550.
Sialidosis. Identifiers: Orphanet 309294, MedGen C0268226, MONDO:0017734.

Allele frequency attached by ClinVar (database versions not stated): gnomAD 0.00001; gnomAD exomes 0.00001 and 0.00011; TOPMed 0.00002; ExAC 0.00009.

Submissions (5):

3billion
Classification: Pathogenic for Sialidosis type 2. Last evaluated: 2025-05-22. Review status: criteria provided, single submitter. Criteria: ACMG Guidelines, 2015. Collection method: clinical testing. Allele origin: germline. Affected: yes.
Comment: The variant is observed at an extremely low frequency in the gnomAD v4.1.0 dataset (total allele frequency: 0.001%). Predicted Consequence/Location: Missense variant Functional studies provide strong evidence of the variant having a damaging effect on the gene or gene product (PMID: 10767332). In silico tools predict the variant to alter splicing and produce an abnormal transcript [SpliceAI: 0.20 (>=0.2, moderate evidence for spliceogenicity)]. The same nucleotide change resulting in the same amino acid change has been previously reported as pathogenic/likely pathogenic with strong evidence (ClinVar ID: VCV000430337 /PMID: 10767332 /3billion dataset). Therefore, this variant is classified as Pathogenic according to the recommendation of ACMG/AMP guideline.

Labcorp Genetics (formerly Invitae), Labcorp
Classification: Pathogenic. Last evaluated: 2024-03-13. Review status: criteria provided, single submitter. Criteria: Invitae Variant Classification Sherloc (09022015). Collection method: clinical testing. Allele origin: germline.
Comment: This sequence change replaces serine, which is neutral and polar, with glycine, which is neutral and non-polar, at codon 182 of the NEU1 protein (p.Ser182Gly). The frequency data for this variant in the population databases is considered unreliable, as metrics indicate poor data quality at this position in the gnomAD database. This missense change has been observed in individual(s) with sialidosis (PMID: 10767332, 29018767, 29414417, 30023283). In at least one individual the data is consistent with being in trans (on the opposite chromosome) from a pathogenic variant. ClinVar contains an entry for this variant (Variation ID: 430337). Advanced modeling of protein sequence and biophysical properties (such as structural, functional, and spatial information, amino acid conservation, physicochemical variation, residue mobility, and thermodynamic stability) performed at Invitae indicates that this missense variant is not expected to disrupt NEU1 protein function with a negative predictive value of 80%. Experimental studies have shown that this missense change affects NEU1 function (PMID: 10767332). For these reasons, this variant has been classified as Pathogenic.

Women's Health and Genetics/Laboratory Corporation of America, LabCorp
Classification: Pathogenic for Sialidosis. Last evaluated: 2018-09-26. Review status: criteria provided, single submitter. Criteria: LabCorp Variant Classification Summary - May 2015. Collection method: clinical testing. Allele origin: germline.
Comment: Variant summary: NEU1 c.544A>G (p.Ser182Gly) results in a non-conservative amino acid change located in the Sialidase domain of the encoded protein sequence. Three of five in-silico tools predict a benign effect of the variant on protein function. The variant allele was found at a frequency of 9.5e-05 in 241352 control chromosomes (gnomAD and publications). This frequency is not significantly higher than expected for a pathogenic variant in NEU1 causing Sialidosis (9.5e-05 vs 0.0011), allowing no conclusion about variant significance. c.544A>G has been reported in the literature in multiple individuals affected with Sialidosis (Chen_2006, Lukong_2000). These data indicate that the variant is very likely to be associated with disease. At least one publication reports experimental evidence evaluating an impact on protein function (Chen_2006, Lukong_2000). The most pronounced variant effect results in <10% of normal activity. A ClinVar submission from a clinical diagnostic laboratory (evaluation after 2014) cites the variant as likely pathogenic. Based on the evidence outlined above, the variant was classified as pathogenic.

GeneDx
Classification: Likely pathogenic. Last evaluated: 2017-05-23. Review status: criteria provided, single submitter. Criteria: GeneDx Variant Classification (06012015). Collection method: clinical testing. Allele origin: germline. Affected: yes.
Comment: The individual had myoclonus, mild dysphagia, normal leukocyte sialidase and oligosaccharide pattern, but decreased sialidase activity in fibroblasts (Lukong et al., 2000). The S182G variant is not observed at a significant frequency in large population cohorts (Lek et al., 2016; 1000 Genomes Consortium et al., 2015; Exome Variant Server). The S182G variant is a non-conservative amino acid substitution, which is likely to impact secondary protein structure as these residues differ in polarity, charge, size and/or other properties. This substitution occurs at a position that is conserved across species. In silico analysis is inconsistent in its predictions as to whether or not the variant is damaging to the protein structure/function. We interpret S182G as a likely pathogenic variant.

Juno Genomics, Hangzhou Juno Genomics, Inc
Classification: Pathogenic for Sialidosis type 2. Review status: criteria provided, single submitter. Criteria: ACMG Guidelines, 2015. Collection method: clinical testing. Allele origin: germline.
Comment: Absent from controls (or at extremely low frequency if recessive) in Genome Aggregation Database.;For recessive disorders, detected in trans with a pathogenic variant.;Patient's phenotype or family history is highly specific for a disease with a single genetic etiology.

Literature cited by the submitters: PubMed 10767332 (cited by 3 submitters); PubMed 29018767 (cited by Labcorp Genetics (formerly Invitae), Labcorp); PubMed 29414417 (cited by Labcorp Genetics (formerly Invitae), Labcorp); PubMed 30023283 (cited by Labcorp Genetics (formerly Invitae), Labcorp); PubMed 16712870 (cited by Women's Health and Genetics/Laboratory Corporation of America, LabCorp).